The following is an entry in ClinVar:

NM_023036.6(DNAI2):c.834C>T (p.Thr278=)

Gene: DNAI2 (dynein axonemal intermediate chain 2; plus strand). Cytogenetic location: 17q25.1.
Variant type: single nucleotide variant.
Coding change: c.834C>T on transcript NM_023036.6 (MANE Select); coding-DNA position 834, C replaced by T.
Protein change: p.Thr278=; no amino-acid change (threonine 278 retained).
Molecular consequence: synonymous variant. On other transcripts: non-coding transcript variant (1).
Genome position (GRCh38, 1-based): chr17:74,299,827, C>T. VCF-style: chr17-74299827-C-T. GRCh37 (hg19) VCF-style: chr17-72295966-C-T.
Other names: p.Thr278=; c.834C>T, p.Thr278= (NM_001172810.3, NM_001353167.2).
Identifiers: ClinVar variation 163167 (VCV000163167.32), dbSNP rs34159194, ClinGen allele CA175824.
Genomic context (GRCh38, chr17:74,299,827, plus strand): 5'-TGAGTCCAGCCACCGAGACCCTGTGTATGGCACCATCTGGCTGCAGTCGAAGACGGGCAC[C>T]GAGTGCTTCTCAGCTTCCACGGATGGGCAGGTACCCACCAGCCAGACACTGGAGAGAGGA-3'
Protein context (NP_075462.3, residues 268-288): GTIWLQSKTG[Thr278=]ECFSASTDGQ

ClinVar aggregate classification (germline): Benign/Likely benign. Review status: criteria provided, multiple submitters, no conflicts (2 of 4 stars). 13 submissions from 13 submitters: Benign (9); Likely benign (1). 3 of the submissions do not count toward it. Last evaluated 2026-02-04.

Conditions:
Primary ciliary dyskinesia. Also called: Ciliary dyskinesia. Identifiers: Orphanet 244, MedGen C0008780, MONDO:0016575, HP:0012265.
Primary ciliary dyskinesia 9. Also called: CILIARY DYSKINESIA, PRIMARY, 9, WITH OR WITHOUT SITUS INVERSUS. Identifiers: Orphanet 244, MedGen C2676235, MONDO:0012906, OMIM 612444.

Allele frequency attached by ClinVar (database versions not stated): 1000 Genomes Project 0.07388; 1000 Genomes Project 30x 0.07542; TOPMed 0.11408; gnomAD 0.12720 and 0.12850; gnomAD exomes 0.13802 and 0.17686; ESP Exome Variant Server 0.13970; ExAC 0.14070.
gnomAD v4.1: 275,856 of 1,613,300 alleles (17%); highest among the groups gnomAD compares: Non-Finnish European, 20%; 25,959 homozygotes.

Submissions (13):

Labcorp Genetics (formerly Invitae), Labcorp
Classification: Benign for Primary ciliary dyskinesia. Last evaluated: 2026-02-04. Review status: criteria provided, single submitter. Criteria: Invitae Variant Classification Sherloc (09022015). Collection method: clinical testing. Allele origin: germline.

Blueprint Genetics
Classification: Likely benign. Last evaluated: 2024-11-27. Review status: criteria provided, single submitter. Criteria: ACMG Guidelines, 2015. Collection method: clinical testing. Allele origin: germline.

Mayo Clinic Laboratories, Mayo Clinic
Classification: Benign. Last evaluated: 2023-02-02. Review status: criteria provided, single submitter. Criteria: ACMG Guidelines, 2015. Collection method: clinical testing. Allele origin: germline. Observed: 69 variant alleles.

Genome-Nilou Lab
Classification: Benign for Primary ciliary dyskinesia 9. Last evaluated: 2021-07-10. Review status: criteria provided, single submitter. Criteria: ACMG Guidelines, 2015. Collection method: clinical testing. Allele origin: germline. Affected: no.

GeneDx
Classification: Benign. Last evaluated: 2018-11-11. Review status: criteria provided, single submitter. Criteria: GeneDx Variant Classification Process June 2021. Collection method: clinical testing. Allele origin: germline. Affected: yes.

Illumina Laboratory Services, Illumina
Classification: Benign for Primary ciliary dyskinesia 9. Last evaluated: 2018-01-12. Review status: criteria provided, single submitter. Criteria: ICSL Variant Classification Criteria 13 December 2019. Collection method: clinical testing. Allele origin: germline.
Comment: This variant was observed in the ICSL laboratory as part of a predisposition screen in an ostensibly healthy population. It had not been previously curated by ICSL or reported in the Human Gene Mutation Database (HGMD: prior to June 1st, 2018), and was therefore a candidate for classification through an automated scoring system. Utilizing variant allele frequency, disease prevalence and penetrance estimates, and inheritance mode, an automated score was calculated to assess if this variant is too frequent to cause the disease. Based on the score and internal cut-off values, a variant classified as benign is not then subjected to further curation. The score for this variant resulted in a classification of benign for this disease.

Ambry Genetics
Classification: Benign for Primary ciliary dyskinesia. Last evaluated: 2014-12-10. Review status: criteria provided, single submitter. Criteria: Ambry Variant Classification Scheme 2023. Collection method: clinical testing. Allele origin: germline.

Laboratory for Molecular Medicine, Mass General Brigham Personalized Medicine
Classification: Benign. Last evaluated: 2013-02-21. Review status: criteria provided, single submitter. Criteria: LMM Criteria. Collection method: clinical testing. Allele origin: germline. Observed: 33 variant alleles.
Comment: Thr278Thr in exon 7 of DNAI2: This variant is not expected to have clinical sign ificance because it does not alter an amino acid residue and is not located with in the splice consensus sequence. It has been identified in 18.7% (1612/8600) of European American chromosomes from a broad population by the NHLBI Exome Sequen cing Project (dbSNP rs34159194).

Breakthrough Genomics
Classification: Benign. Review status: criteria provided, single submitter. Criteria: ACMG Guidelines, 2015. Collection method: not provided. Allele origin: germline. Inheritance: Autosomal recessive inheritance. Affected: yes.

PreventionGenetics, part of Exact Sciences
Classification: Benign. Review status: criteria provided, single submitter. Criteria: ACMG Guidelines, 2015. Collection method: clinical testing. Allele origin: germline.

Natera, Inc.
Classification: Benign for Primary ciliary dyskinesia. Last evaluated: 2020-09-16. Review status: no assertion criteria provided. Collection method: clinical testing. Allele origin: germline. Not counted in ClinVar's aggregate classification.

Clinical Genetics DNA and cytogenetics Diagnostics Lab, Erasmus MC, Erasmus Medical Center
Classification: Benign. Review status: no assertion criteria provided. Collection method: clinical testing. Allele origin: germline. Affected: yes. Study: VKGL Data-share Consensus. Not counted in ClinVar's aggregate classification.

Diagnostic Laboratory, Department of Genetics, University Medical Center Groningen
Classification: Benign for Primary ciliary dyskinesia 9. Review status: no assertion criteria provided. Collection method: clinical testing. Allele origin: germline. Affected: yes. Study: VKGL Data-share Consensus. Not counted in ClinVar's aggregate classification.